The following is an entry in ClinVar:

ClinVar aggregate classification (germline): Conflicting classifications of pathogenicity. Review status: criteria provided, conflicting classifications (1 of 4 stars). 3 submissions from 3 submitters: Uncertain significance (1); Likely benign (1). 1 of the submissions does not count toward it. Last evaluated 2025-02-22.

Conditions:
Inborn genetic diseases. Identifiers: MedGen C0950123, MeSH D030342.
Fanconi anemia (FA). Also called: Fanconi's anemia. Identifiers: Orphanet 84, MedGen C0015625, MeSH D005199, MONDO:0019391.

Allele frequency attached by ClinVar (database versions not stated): TOPMed below 0.00001; gnomAD exomes below 0.00001.
gnomAD v4.1: 6 of 1,614,034 alleles (0.00037%); highest among the groups gnomAD compares: Non-Finnish European, 0.00051%; no homozygotes.

Submissions (3):

Ambry Genetics
Classification: Likely benign for Inborn genetic diseases. Last evaluated: 2025-02-22. Review status: criteria provided, single submitter. Criteria: Ambry Variant Classification Scheme 2023. Collection method: clinical testing. Allele origin: germline.

Labcorp Genetics (formerly Invitae), Labcorp
Classification: Uncertain significance for Fanconi anemia. Last evaluated: 2021-08-30. Review status: criteria provided, single submitter. Criteria: Invitae Variant Classification Sherloc (09022015). Collection method: clinical testing. Allele origin: germline.
Comment: This sequence change replaces aspartic acid with asparagine at codon 56 of the FANCA protein (p.Asp56Asn). The aspartic acid residue is weakly conserved and there is a small physicochemical difference between aspartic acid and asparagine. This variant is not present in population databases (ExAC no frequency). This variant has not been reported in the literature in individuals affected with FANCA-related conditions. Algorithms developed to predict the effect of missense changes on protein structure and function output the following: SIFT: "Tolerated"; PolyPhen-2: "Possibly Damaging"; Align-GVGD: "Class C0". The asparagine amino acid residue is found in multiple mammalian species, which suggests that this missense change does not adversely affect protein function. In summary, the available evidence is currently insufficient to determine the role of this variant in disease. Therefore, it has been classified as a Variant of Uncertain Significance.

Natera, Inc.
Classification: Uncertain significance for Fanconi anemia. Last evaluated: 2020-07-13. Review status: no assertion criteria provided. Collection method: clinical testing. Allele origin: germline. Not counted in ClinVar's aggregate classification.

NM_000135.4(FANCA):c.166G>A (p.Asp56Asn)

Gene: FANCA (FA complementation group A; minus strand). Cytogenetic location: 16q24.3.
Variant type: single nucleotide variant.
Coding change: c.166G>A on transcript NM_000135.4 (MANE Select); coding-DNA position 166, G replaced by A.
Protein change: p.Asp56Asn; replaces aspartic acid 56 with asparagine.
Molecular consequence: missense variant.
Genome position (GRCh38, 1-based): chr16:89,815,900, C>T on the plus strand (G>A on the coding strand, the complement: FANCA is on the minus strand). VCF-style: chr16-89815900-C-T. GRCh37 (hg19) VCF-style: chr16-89882308-C-T.
Other names: c.166G>A, p.Asp56Asn (NM_001018112.3, NM_001286167.3, NM_001351830.2); c.166G>A (NM_000135.2); short protein forms D56N.
Identifiers: ClinVar variation 1023187 (VCV001023187.10), dbSNP rs1360481164, ClinGen allele CA397483282.